The following is an entry in ClinVar:

ClinVar aggregate classification (germline): Uncertain significance. Review status: criteria provided, multiple submitters, no conflicts (2 of 4 stars). 4 submissions from 3 submitters: Uncertain significance (3). 1 of the submissions does not count toward it. Last evaluated 2024-10-24.

Conditions:
Primary ciliary dyskinesia. Also called: Ciliary dyskinesia. Identifiers: Orphanet 244, MedGen C0008780, MONDO:0016575, HP:0012265.

Allele frequency attached by ClinVar (database versions not stated): 1000 Genomes Project 30x 0.00016; 1000 Genomes Project 0.00020; ESP Exome Variant Server 0.00024; TOPMed 0.00025.
gnomAD v4.1: 417 of 1,610,624 alleles (0.026%); highest among the groups gnomAD compares: Non-Finnish European, 0.031%; no homozygotes.

Submissions (4):

Blueprint Genetics
Classification: Uncertain significance. Last evaluated: 2024-10-24. Review status: criteria provided, single submitter. Criteria: ACMG Guidelines, 2015. Collection method: clinical testing. Allele origin: germline.

Ambry Genetics
Classification: Uncertain significance for Primary ciliary dyskinesia. Last evaluated: 2022-09-13. Review status: criteria provided, single submitter. Criteria: Ambry Variant Classification Scheme 2023. Collection method: clinical testing. Allele origin: germline.
Comment: The p.A324G variant (also known as c.971C>G), located in coding exon 7 of the DNAAF3 gene, results from a C to G substitution at nucleotide position 971. The alanine at codon 324 is replaced by glycine, an amino acid with similar properties. This amino acid position is highly conserved in available vertebrate species. In addition, this alteration is predicted to be tolerated by in silico analysis. Since supporting evidence is limited at this time, the clinical significance of this alteration remains unclear.

Labcorp Genetics (formerly Invitae), Labcorp
Classification: Uncertain significance for Primary ciliary dyskinesia. Last evaluated: 2022-07-06. Review status: criteria provided, single submitter. Criteria: Invitae Variant Classification Sherloc (09022015). Collection method: clinical testing. Allele origin: germline.
Comment: This sequence change replaces alanine, which is neutral and non-polar, with glycine, which is neutral and non-polar, at codon 324 of the DNAAF3 protein (p.Ala324Gly). This variant is present in population databases (rs201937522, gnomAD 0.02%). This variant has not been reported in the literature in individuals affected with DNAAF3-related conditions. ClinVar contains an entry for this variant (Variation ID: 454627). Algorithms developed to predict the effect of missense changes on protein structure and function are either unavailable or do not agree on the potential impact of this missense change (SIFT: "Deleterious"; PolyPhen-2: "Probably Damaging"; Align-GVGD: "Class C0"). In summary, the available evidence is currently insufficient to determine the role of this variant in disease. Therefore, it has been classified as a Variant of Uncertain Significance.

Ambry Genetics
Classification: Uncertain significance for Primary ciliary dyskinesia. Last evaluated: 2021-10-06. Review status: flagged submission. Criteria: Ambry Variant Classification Scheme 2023. Collection method: clinical testing. Allele origin: germline. Not counted in ClinVar's aggregate classification.
ClinVar note: Reason: This record appears to be redundant with a more recent record from the same submitter.
ClinVar note: Notes: SCV003671742 appears to be redundant with SCV002695227.

NM_001256715.2(DNAAF3):c.767C>G (p.Ala256Gly)

Genes: DNAAF3 (dynein axonemal assembly factor 3; minus strand), DNAAF3-AS1 (DNAAF3 antisense RNA 1; plus strand). Cytogenetic location: 19q13.42.
Variant type: single nucleotide variant.
Coding change: c.767C>G on transcript NM_001256715.2 (MANE Select); coding-DNA position 767, C replaced by G.
Protein change: p.Ala256Gly; replaces alanine 256 with glycine.
Molecular consequence: missense variant.
Genome position (GRCh38, 1-based): chr19:55,161,315, G>C on the plus strand (C>G on the coding strand, the complement: DNAAF3 is on the minus strand). VCF-style: chr19-55161315-G-C. GRCh37 (hg19) VCF-style: chr19-55672683-G-C.
Other names: c.605C>G, p.Ala202Gly (NM_001256716.2); c.908C>G, p.Ala303Gly (NM_178837.4); c.971C>G, p.Ala324Gly (NM_001256714.1); short protein forms A324G, A303G, A202G, A256G.
Identifiers: ClinVar variation 454627 (VCV000454627.12), dbSNP rs201937522, ClinGen allele CA9668079.
Genomic context (GRCh38, chr19:55,161,315, plus strand): 5'-GCAGCAGCAGTGGGCCAGGACAGGCAGTGGACACGCACGTAGCTCAGGAGGCGACCGGAC[G>C]CCAGGGTCCGGTTGGGCACATGATAGGCGCTGGAGTCCCTGAGTTCAAAGGCGACGCCTG-3'
Protein context (NP_001243644.1, residues 246-266): SAYHVPNRTL[Ala256Gly]SGRLLSYRGE